The following is an entry in ClinVar:

ClinVar aggregate classification (germline): Uncertain significance (1 of 4 stars; one submission).

Conditions:
RYR1-related disorder. Also called: RYR1-related condition; RYR1-related disorders. Identifiers: MedGen CN239331.

Submission:

Labcorp Genetics (formerly Invitae), Labcorp
Classification: Uncertain significance for RYR1-related disorder. Last evaluated: 2019-08-22. Review status: criteria provided, single submitter. Criteria: Invitae Variant Classification Sherloc (09022015). Collection method: clinical testing. Allele origin: germline.
Comment: In summary, the available evidence is currently insufficient to determine the role of this variant in disease. Therefore, it has been classified as a Variant of Uncertain Significance. Algorithms developed to predict the effect of missense changes on protein structure and function do not agree on the potential impact of this missense change (SIFT: "Deleterious"; PolyPhen-2: "Probably Damaging"; Align-GVGD: "Class C0"). This variant has not been reported in the literature in individuals with RYR1-related disease. This variant is not present in population databases (ExAC no frequency). This sequence change replaces lysine with glutamine at codon 872 of the RYR1 protein (p.Lys872Gln). The lysine residue is highly conserved and there is a small physicochemical difference between lysine and glutamine.

NM_000540.3(RYR1):c.2614A>C (p.Lys872Gln)

Gene: RYR1 (ryanodine receptor 1; plus strand). Cytogenetic location: 19q13.2.
Variant type: single nucleotide variant.
Coding change: c.2614A>C on transcript NM_000540.3 (MANE Select); coding-DNA position 2614, A replaced by C.
Protein change: p.Lys872Gln; replaces lysine 872 with glutamine.
Molecular consequence: missense variant.
Genome position (GRCh38, 1-based): chr19:38,463,459, A>C. VCF-style: chr19-38463459-A-C. GRCh37 (hg19) VCF-style: chr19-38954099-A-C.
Other names: c.2614A>C, p.Lys872Gln (NM_001042723.2); short protein forms K872Q.
Identifiers: ClinVar variation 478215 (VCV000478215.10), dbSNP rs1555772258, ClinGen allele CA405631880.